The following is an entry in ClinVar:

NM_015909.4(NBAS):c.6997C>T (p.His2333Tyr)

Gene: NBAS (NBAS subunit of NRZ tethering complex; minus strand). Cytogenetic location: 2p24.3.
Variant type: single nucleotide variant.
Coding change: c.6997C>T on transcript NM_015909.4 (MANE Select); coding-DNA position 6997, C replaced by T.
Protein change: p.His2333Tyr; replaces histidine 2333 with tyrosine.
Molecular consequence: missense variant. On other transcripts: non-coding transcript variant (1).
Genome position (GRCh38, 1-based): chr2:15,167,167, G>A on the plus strand (C>T on the coding strand, the complement: NBAS is on the minus strand). VCF-style: chr2-15167167-G-A. GRCh37 (hg19) VCF-style: chr2-15307291-G-A.
Other names: c.6997C>T (NM_015909.2); short protein forms H2333Y.
Identifiers: ClinVar variation 2065933 (VCV002065933.5), dbSNP rs1221983524, ClinGen allele CA345911104.
Genomic context (GRCh38, chr2:15,167,167, plus strand): 5'-TCCCCCTCACGGCCAGAAGGAGAGACCCGGCTTCGGCTTCATGGCCGGCCTCCCGCAGGT[G>A]TCTGCCCAGCTCCTCTGCATCCCAGCGCCCTTGCTGGAGGCTAGCCAAGAGGTGGTCAAC-3'
Protein context (NP_056993.2, residues 2323-2343): GRWDAEELGR[His2333Tyr]LREAGHEAEA

ClinVar aggregate classification (germline): Uncertain significance. Review status: criteria provided, multiple submitters, no conflicts (2 of 4 stars). 2 submissions from 2 submitters: Uncertain significance (2). Last evaluated 2025-08-04.

Conditions:
Inborn genetic diseases. Identifiers: MedGen C0950123, MeSH D030342.

gnomAD v4.1: 2 of 1,614,266 alleles (0.00012%); highest among the groups gnomAD compares: South Asian, 0.0011%; no homozygotes.

Submissions (2):

Ambry Genetics
Classification: Uncertain significance for Inborn genetic diseases. Last evaluated: 2025-08-04. Review status: criteria provided, single submitter. Criteria: Ambry Variant Classification Scheme 2023. Collection method: clinical testing. Allele origin: germline.

Labcorp Genetics (formerly Invitae), Labcorp
Classification: Uncertain significance. Last evaluated: 2021-12-29. Review status: criteria provided, single submitter. Criteria: Invitae Variant Classification Sherloc (09022015). Collection method: clinical testing. Allele origin: germline.
Comment: In summary, the available evidence is currently insufficient to determine the role of this variant in disease. Therefore, it has been classified as a Variant of Uncertain Significance. Algorithms developed to predict the effect of missense changes on protein structure and function are either unavailable or do not agree on the potential impact of this missense change (SIFT: "Deleterious"; PolyPhen-2: "Benign"; Align-GVGD: "Class C65"). This variant has not been reported in the literature in individuals affected with NBAS-related conditions. This variant is present in population databases (no rsID available, gnomAD 0.003%). This sequence change replaces histidine, which is basic and polar, with tyrosine, which is neutral and polar, at codon 2333 of the NBAS protein (p.His2333Tyr).